The following is an entry in ClinVar:

ClinVar aggregate classification (germline): Uncertain significance (1 of 4 stars; one submission).

Conditions:
Familial cancer of breast. Also called: BREAST CANCER, FAMILIAL; hereditary breast carcinoma; Hereditary breast cancer. Identifiers: Orphanet 227535, MedGen C0346153, MONDO:0016419, OMIM 114480. Disease mechanism: loss of function.
Fanconi anemia complementation group J. Also called: BRIP1-Related Fanconi Anemia. Identifiers: Orphanet 84, MedGen C1836860, MONDO:0012187, OMIM 609054.

Submission:

Labcorp Genetics (formerly Invitae), Labcorp
Classification: Uncertain significance for Familial cancer of breast; Fanconi anemia complementation group J. Last evaluated: 2024-05-13. Review status: criteria provided, single submitter. Criteria: Invitae Variant Classification Sherloc (09022015). Collection method: clinical testing. Allele origin: germline.
Comment: This sequence change replaces aspartic acid, which is acidic and polar, with asparagine, which is neutral and polar, at codon 736 of the BRIP1 protein (p.Asp736Asn). This variant is not present in population databases (gnomAD no frequency). This variant has not been reported in the literature in individuals affected with BRIP1-related conditions. ClinVar contains an entry for this variant (Variation ID: 1345990). Advanced modeling of protein sequence and biophysical properties (such as structural, functional, and spatial information, amino acid conservation, physicochemical variation, residue mobility, and thermodynamic stability) performed at Invitae indicates that this missense variant is expected to disrupt BRIP1 protein function with a positive predictive value of 80%. In summary, the available evidence is currently insufficient to determine the role of this variant in disease. Therefore, it has been classified as a Variant of Uncertain Significance.

NM_032043.3(BRIP1):c.2206G>A (p.Asp736Asn)

Gene: BRIP1 (BRCA1 interacting DNA helicase 1; minus strand). Cytogenetic location: 17q23.2.
Variant type: single nucleotide variant.
Coding change: c.2206G>A on transcript NM_032043.3 (MANE Select); coding-DNA position 2206, G replaced by A.
Protein change: p.Asp736Asn; replaces aspartic acid 736 with asparagine.
Molecular consequence: missense variant.
Genome position (GRCh38, 1-based): chr17:61,744,483, C>T on the plus strand (G>A on the coding strand, the complement: BRIP1 is on the minus strand). VCF-style: chr17-61744483-C-T. GRCh37 (hg19) VCF-style: chr17-59821844-C-T.
Other names: short protein forms D736N.
Identifiers: ClinVar variation 1345990 (VCV001345990.9), dbSNP rs2144697004, ClinGen allele CA400482985.